The following is an entry in ClinVar:

NM_001379029.1(CERT1):c.663C>T (p.Asn221=)

Gene: CERT1 (ceramide transporter 1; minus strand). Cytogenetic location: 5q13.3.
Variant type: single nucleotide variant.
Coding change: c.663C>T on transcript NM_001379029.1 (MANE Select); coding-DNA position 663, C replaced by T.
Protein change: p.Asn221=; no amino-acid change (asparagine 221 retained).
Molecular consequence: synonymous variant.
Genome position (GRCh38, 1-based): chr5:75,419,357, G>A on the plus strand (C>T on the coding strand, the complement: CERT1 is on the minus strand). VCF-style: chr5-75419357-G-A. GRCh37 (hg19) VCF-style: chr5-74715182-G-A.
Other names: c.1047C>T, p.Asn349= (NM_001130105.1); c.663C>T, p.Asn221= (NM_001379002.1, NM_001379003.1, NM_001379004.1 and 2 more transcripts).
Identifiers: ClinVar variation 3353171 (VCV003353171.1).

ClinVar aggregate classification (germline): Likely benign (0 of 4 stars; one submission).

Conditions:
CERT1-related disorder. Also called: CERT1-related condition.

gnomAD v4.1: 113 of 1,610,194 alleles (0.007%); highest among the groups gnomAD compares: Middle Eastern, 0.016%; 1 homozygote.

Submission:

PreventionGenetics, part of Exact Sciences
Classification: Likely benign for CERT1-related condition. Last evaluated: 2019-02-26. Review status: no assertion criteria provided. Collection method: clinical testing. Allele origin: germline.
Comment: This variant is classified as likely benign based on ACMG/AMP sequence variant interpretation guidelines (Richards et al. 2015 PMID: 25741868, with internal and published modifications).